The following is an entry in ClinVar:

ClinVar aggregate classification (germline): Uncertain significance (1 of 4 stars; one submission).

Submission:

CeGaT Center for Human Genetics Tuebingen
Classification: Uncertain significance. Last evaluated: 2026-01-01. Review status: criteria provided, single submitter. Criteria: CeGaT Center For Human Genetics Tuebingen Variant Classification Criteria Version 2. Collection method: clinical testing. Allele origin: germline. Affected: yes. Observed: 1 variant allele.
Comment: PSTPIP1: PM2

NM_003978.5(PSTPIP1):c.1008dup (p.Thr337fs)

Gene: PSTPIP1 (proline-serine-threonine phosphatase interacting protein 1; plus strand). Cytogenetic location: 15q24.3.
Variant type: Duplication.
Coding change: c.1008dup on transcript NM_003978.5 (MANE Select); coding-DNA position 1008, one base duplicated (C; older notation c.1008dupC).
Protein change: p.Thr337fs; shifts the reading frame from threonine 337.
Molecular consequence: frameshift variant. On other transcripts: non-coding transcript variant (1).
Genome position (GRCh38, 1-based): chr15:77,035,824, C duplicated; the last of 5 consecutive C bases (chr15:77,035,820-77,035,824); duplicating any one gives the same sequence. VCF-style (leftmost placement, unchanged base first): chr15-77035819-A-AC. GRCh37 (hg19) VCF-style: chr15-77328160-A-AC.
Other names: c.951dup, p.Thr318fs (NM_001321135.2); c.981dup, p.Thr328fs (NM_001321136.2); c.1203dup, p.Thr402fs (NM_001321137.1); c.999dup, p.Thr334fs (NM_001411086.1); short protein forms T318fs, T328fs, T334fs, T337fs, T402fs.
Identifiers: ClinVar variation 4821852 (VCV004821852.4).